The following is an entry in ClinVar:

ClinVar aggregate classification (germline): Uncertain significance (1 of 4 stars; one submission).

Allele frequency attached by ClinVar (database versions not stated): ExAC 0.00002; gnomAD 0.00002; gnomAD exomes 0.00002; TOPMed 0.00002.
gnomAD v4.1: 14 of 1,613,032 alleles (0.00087%); highest among the groups gnomAD compares: Admixed American, 0.0017%; no homozygotes.

Submission:

Labcorp Genetics (formerly Invitae), Labcorp
Classification: Uncertain significance. Last evaluated: 2025-07-24. Review status: criteria provided, single submitter. Criteria: Invitae Variant Classification Sherloc (09022015). Collection method: clinical testing. Allele origin: germline.
Comment: This sequence change replaces histidine, which is basic and polar, with tyrosine, which is neutral and polar, at codon 4344 of the ANK3 protein (p.His4344Tyr). This variant is present in population databases (rs748449445, gnomAD 0.006%). This variant has not been reported in the literature in individuals affected with ANK3-related conditions. ClinVar contains an entry for this variant (Variation ID: 1405801). An algorithm developed to predict the effect of missense changes on protein structure and function (PolyPhen-2) suggests that this variant is likely to be tolerated. In summary, the available evidence is currently insufficient to determine the role of this variant in disease. Therefore, it has been classified as a Variant of Uncertain Significance.

NM_020987.5(ANK3):c.13030C>T (p.His4344Tyr)

Gene: ANK3 (ankyrin 3; minus strand). Cytogenetic location: 10q21.2.
Variant type: single nucleotide variant.
Coding change: c.13030C>T on transcript NM_020987.5 (MANE Select); coding-DNA position 13030, C replaced by T.
Protein change: p.His4344Tyr; replaces histidine 4344 with tyrosine.
Molecular consequence: missense variant.
Genome position (GRCh38, 1-based): chr10:60,055,693, G>A on the plus strand (C>T on the coding strand, the complement: ANK3 is on the minus strand). VCF-style: chr10-60055693-G-A. GRCh37 (hg19) VCF-style: chr10-61815451-G-A.
Other names: c.2902C>T, p.His968Tyr (NM_001149.4); c.5482C>T, p.His1828Tyr (NM_001204403.2); c.5503C>T, p.His1835Tyr (NM_001204404.2); c.5500C>T, p.His1834Tyr (NM_001320874.2); short protein forms H1828Y, H1834Y, H1835Y, H968Y, H4344Y.
Identifiers: ClinVar variation 1405801 (VCV001405801.8), dbSNP rs748449445, ClinGen allele CA5510683.